The following is an entry in ClinVar:

NM_005765.3(ATP6AP2):c.964A>T (p.Ile322Phe)

Gene: ATP6AP2 (ATPase H+ transporting accessory protein 2; plus strand). Cytogenetic location: Xp11.4.
Variant type: single nucleotide variant.
Coding change: c.964A>T on transcript NM_005765.3 (MANE Select); coding-DNA position 964, A replaced by T.
Protein change: p.Ile322Phe; replaces isoleucine 322 with phenylalanine.
Molecular consequence: missense variant.
Genome position (GRCh38, 1-based): chrX:40,605,666, A>T. VCF-style: chrX-40605666-A-T. GRCh37 (hg19) VCF-style: chrX-40464918-A-T.
Other names: short protein forms I322F.
Identifiers: ClinVar variation 4537087 (VCV004537087.1).
Genomic context (GRCh38, chrX:40,605,666, plus strand): 5'-GAATATTCCGTGGTTTTCAACATGGTACTTTGGATAATGATCGCCTTGGCCTTGGCTGTG[A>T]TTATCACCTCTTACAATATTTGGAACATGGATCCTGGATATGATAGCATCATTTATAGGA-3'
Protein context (NP_005756.2, residues 312-332): WIMIALALAV[Ile322Phe]ITSYNIWNMD

ClinVar aggregate classification (germline): Uncertain significance (1 of 4 stars; one submission).

gnomAD v4.1: 1 of 1,207,985 alleles (0.000083%); highest among the groups gnomAD compares: Non-Finnish European, 0.00011%; no homozygotes.

Submission:

Women's Health and Genetics/Laboratory Corporation of America, LabCorp
Classification: Uncertain significance. Last evaluated: 2025-11-04. Review status: criteria provided, single submitter. Criteria: LabCorp Variant Classification Summary - May 2015. Collection method: clinical testing. Allele origin: germline.
Comment: Variant summary: ATP6AP2 c.964A>T (p.Ile322Phe) results in a non-conservative amino acid change in the encoded protein sequence. Algorithms developed to predict the effect of missense changes on protein structure and function are either unavailable or do not agree on the potential impact of this missense change. The variant was absent in 183354 control chromosomes. The available data on variant occurrences in the general population are insufficient to allow any conclusion about variant significance. To our knowledge, no occurrence of c.964A>T in individuals affected with ATP6AP2-related conditions and no experimental evidence demonstrating its impact on protein function have been reported. No submitters have cited clinical-significance assessments for this variant to ClinVar. Based on the evidence outlined above, the variant was classified as uncertain significance.